The following is an entry in ClinVar:

ClinVar aggregate classification (germline): Conflicting classifications of pathogenicity. Review status: criteria provided, conflicting classifications (1 of 4 stars). 9 submissions from 9 submitters: Uncertain significance (6); Likely benign (1). 2 of the submissions do not count toward it. Last evaluated 2022-09-07.

Conditions:
Self-limited epilepsy with centrotemporal spikes. Also called: Rolandic epilepsy; Childhood epilepsy with centrotemporal spikes. Identifiers: Orphanet 1945, MedGen C0376532, MONDO:0007295.
Epilepsy, progressive myoclonic, 1B. Also called: PME. Identifiers: Orphanet 308, MedGen C2676254, MONDO:0012904, OMIM 612437.
Intellectual disability. Also called: Intellectual functioning disability; intellectual disabilities; Intellectual developmental disorder. Identifiers: MedGen C3714756, MeSH D008607, MONDO:0001071, HP:0001249.

Allele frequency attached by ClinVar (database versions not stated): gnomAD 0.00060 and 0.00062; ExAC 0.00091; 1000 Genomes Project 0.00040; TOPMed 0.00070; gnomAD exomes 0.00077; ESP Exome Variant Server 0.00123; 1000 Genomes Project 30x 0.00031.
gnomAD v4.1: 1,722 of 1,614,136 alleles (0.11%); highest among the groups gnomAD compares: Non-Finnish European, 0.14%; no homozygotes.

Submissions (9):

Labcorp Genetics (formerly Invitae), Labcorp
Classification: Uncertain significance for Epilepsy, progressive myoclonic, 1B. Last evaluated: 2022-09-07. Review status: criteria provided, single submitter. Criteria: Invitae Variant Classification Sherloc (09022015). Collection method: clinical testing. Allele origin: germline.
Comment: This sequence change replaces serine, which is neutral and polar, with phenylalanine, which is neutral and non-polar, at codon 739 of the PRICKLE1 protein (p.Ser739Phe). This variant is present in population databases (rs138452760, gnomAD 0.1%), and has an allele count higher than expected for a pathogenic variant. This missense change has been observed in individual(s) with myelomeningocele (PMID: 21901791). ClinVar contains an entry for this variant (Variation ID: 198918). Algorithms developed to predict the effect of missense changes on protein structure and function (SIFT, PolyPhen-2, Align-GVGD) all suggest that this variant is likely to be disruptive. In summary, the available evidence is currently insufficient to determine the role of this variant in disease. Therefore, it has been classified as a Variant of Uncertain Significance.

Fulgent Genetics
Classification: Uncertain significance for Epilepsy, progressive myoclonic, 1B. Last evaluated: 2022-03-30. Review status: criteria provided, single submitter. Criteria: ACMG Guidelines, 2015. Collection method: clinical testing. Allele origin: unknown.

Mayo Clinic Laboratories, Mayo Clinic
Classification: Uncertain significance. Last evaluated: 2021-09-15. Review status: criteria provided, single submitter. Criteria: ACMG Guidelines, 2015. Collection method: clinical testing. Allele origin: germline.

Ambry Genetics
Classification: Likely benign. Last evaluated: 2021-05-25. Review status: criteria provided, single submitter. Criteria: Ambry Variant Classification Scheme 2023. Collection method: clinical testing. Allele origin: germline.

GeneDx
Classification: Uncertain significance. Last evaluated: 2018-08-08. Review status: criteria provided, single submitter. Criteria: GeneDx Variant Classification (06012015). Collection method: clinical testing. Allele origin: germline. Affected: yes.
Comment: A variant of uncertain significance has been identified in the PRICKLE1 gene. The S739F variant in the PRICKLE1 gene was previously identified in a patient with myelomeningocele and was not detected in controls so it was suggested to contribute to an increased risk for open neural tube defects; however, the variant was inherited from the patient's unaffected mother and did not co-segregate with neural tube defects in the extended family (Bosoi et al., 2011). The S739F variant is observed in 181/126496 (0.14%) alleles from individuals of European background in large population cohorts (Lek et al., 2016). In-silico analyses, including protein predictors and evolutionary conservation, support that this variant does not alter protein structure/function. However, the S739F variant is a non-conservative amino acid substitution, which is likely to impact secondary protein structure as these residues differ in polarity, charge, size and/or other properties. Therefore, based on the currently available information, it is unclear whether this variant is a pathogenic variant or a rare benign variant.

Athena Diagnostics
Classification: Uncertain significance. Last evaluated: 2017-09-14. Review status: criteria provided, single submitter. Criteria: Athena Diagnostics Criteria. Collection method: clinical testing. Allele origin: germline.

Eurofins Ntd Llc (ga)
Classification: Uncertain significance. Last evaluated: 2017-07-31. Review status: criteria provided, single submitter. Criteria: EGL Classification Definitions 2015. Collection method: clinical testing. Allele origin: germline. Observed: 6 variant alleles, 6 heterozygotes.

Centre de Biologie Pathologie Génétique, Centre Hospitalier Universitaire de Lille
Classification: Uncertain significance for Intellectual disability. Last evaluated: 2019-01-01. Review status: no assertion criteria provided. Collection method: clinical testing. Allele origin: unknown. Affected: yes. Not counted in ClinVar's aggregate classification.

Bioinformatics Core, Luxembourg Center for Systems Biomedicine
Classification: Pathogenic for Self-limited epilepsy with centrotemporal spikes. Last evaluated: 2017-01-01. Review status: no assertion criteria provided. Collection method: case-control. Allele origin: germline. Affected: yes. Study: EUROEPINOMICS COGIE. Not counted in ClinVar's aggregate classification.

Literature cited by the submitters: PubMed 21901791 (cited by 4 submitters); PubMed 29358611 (cited by Ambry Genetics and Bioinformatics Core, Luxembourg Center for Systems Biomedicine).

NM_153026.3(PRICKLE1):c.2216C>T (p.Ser739Phe)

Gene: PRICKLE1 (prickle planar cell polarity protein 1; minus strand). Cytogenetic location: 12q12.
Variant type: single nucleotide variant.
Coding change: c.2216C>T on transcript NM_153026.3 (MANE Select); coding-DNA position 2216, C replaced by T.
Protein change: p.Ser739Phe; replaces serine 739 with phenylalanine.
Molecular consequence: missense variant.
Genome position (GRCh38, 1-based): chr12:42,460,089, G>A on the plus strand (C>T on the coding strand, the complement: PRICKLE1 is on the minus strand). VCF-style: chr12-42460089-G-A. GRCh37 (hg19) VCF-style: chr12-42853891-G-A.
Other names: p.S739F:TCC>TTC; c.2216C>T, p.Ser739Phe (NM_001144881.2, NM_001144882.2, NM_001144883.2); short protein forms S739F.
Identifiers: ClinVar variation 198918 (VCV000198918.18), dbSNP rs138452760, ClinGen allele CA247821.